The following is an entry in ClinVar:

NM_021625.5(TRPV4):c.2230A>G (p.Ile744Val)

Gene: TRPV4 (transient receptor potential cation channel subfamily V member 4; minus strand). Cytogenetic location: 12q24.11.
Variant type: single nucleotide variant.
Coding change: c.2230A>G on transcript NM_021625.5 (MANE Select); coding-DNA position 2230, A replaced by G.
Protein change: p.Ile744Val; replaces isoleucine 744 with valine.
Molecular consequence: missense variant.
Genome position (GRCh38, 1-based): chr12:109,786,816, T>C on the plus strand (A>G on the coding strand, the complement: TRPV4 is on the minus strand). VCF-style: chr12-109786816-T-C. GRCh37 (hg19) VCF-style: chr12-110224621-T-C.
Other names: c.2089A>G, p.Ile697Val (NM_001177428.2); c.2128A>G, p.Ile710Val (NM_001177431.2); c.1909A>G, p.Ile637Val (NM_001177433.2); c.2050A>G, p.Ile684Val (NM_147204.3); short protein forms I637V, I684V, I697V, I710V, I744V.
Identifiers: ClinVar variation 1693027 (VCV001693027.2), dbSNP rs776119724, ClinGen allele CA6779981.

ClinVar aggregate classification (germline): Uncertain significance (1 of 4 stars; one submission).

Allele frequency attached by ClinVar (database versions not stated): gnomAD exomes below 0.00001; ExAC 0.00001.

Submission:

GeneDx
Classification: Uncertain significance. Last evaluated: 2022-06-23. Review status: criteria provided, single submitter. Criteria: GeneDx Variant Classification Process June 2021. Collection method: clinical testing. Allele origin: germline. Affected: yes.
Comment: Not observed at significant frequency in large population cohorts (gnomAD); In silico analysis supports that this missense variant does not alter protein structure/function; Has not been previously published as pathogenic or benign to our knowledge